The following is an entry in ClinVar:

NM_015178.3(RHOBTB2):c.2045G>C (p.Arg682Pro)

Gene: RHOBTB2 (Rho related BTB domain containing 2; plus strand). Cytogenetic location: 8p21.3.
Variant type: single nucleotide variant.
Coding change: c.2045G>C on transcript NM_015178.3 (MANE Select); coding-DNA position 2045, G replaced by C.
Protein change: p.Arg682Pro; replaces arginine 682 with proline.
Molecular consequence: missense variant.
Genome position (GRCh38, 1-based): chr8:23,017,330, G>C. VCF-style: chr8-23017330-G-C. GRCh37 (hg19) VCF-style: chr8-22874843-G-C.
Other names: c.2111G>C, p.Arg704Pro (NM_001160036.2); c.2066G>C, p.Arg689Pro (NM_001160037.2); c.2045G>C, p.Arg682Pro (NM_001374791.1); short protein forms R689P, R682P, R704P.
Identifiers: ClinVar variation 2768057 (VCV002768057.3), dbSNP rs143264894, ClinGen allele CA370577174.

ClinVar aggregate classification (germline): Uncertain significance (1 of 4 stars; one submission).

Submission:

Labcorp Genetics (formerly Invitae), Labcorp
Classification: Uncertain significance. Last evaluated: 2023-10-13. Review status: criteria provided, single submitter. Criteria: Invitae Variant Classification Sherloc (09022015). Collection method: clinical testing. Allele origin: germline.
Comment: This sequence change replaces arginine, which is basic and polar, with proline, which is neutral and non-polar, at codon 704 of the RHOBTB2 protein (p.Arg704Pro). This variant is not present in population databases (gnomAD no frequency). This variant has not been reported in the literature in individuals affected with RHOBTB2-related conditions. Advanced modeling of protein sequence and biophysical properties (such as structural, functional, and spatial information, amino acid conservation, physicochemical variation, residue mobility, and thermodynamic stability) performed at Invitae indicates that this missense variant is not expected to disrupt RHOBTB2 protein function. In summary, the available evidence is currently insufficient to determine the role of this variant in disease. Therefore, it has been classified as a Variant of Uncertain Significance.